The following is an entry in ClinVar:

ClinVar aggregate classification (germline): Uncertain significance (1 of 4 stars; one submission).

Conditions:
Aortic aneurysm, familial thoracic 4 (AAT4). Also called: AORTIC ANEURYSM/AORTIC DISSECTION AND PATENT DUCTUS ARTERIOSUS. Identifiers: MedGen C1851504, MONDO:0007568, OMIM 132900.

Submission:

Labcorp Genetics (formerly Invitae), Labcorp
Classification: Uncertain significance for Aortic aneurysm, familial thoracic 4. Last evaluated: 2022-07-22. Review status: criteria provided, single submitter. Criteria: Invitae Variant Classification Sherloc (09022015). Collection method: clinical testing. Allele origin: germline.
Comment: In summary, the available evidence is currently insufficient to determine the role of this variant in disease. Therefore, it has been classified as a Variant of Uncertain Significance. Algorithms developed to predict the effect of missense changes on protein structure and function are either unavailable or do not agree on the potential impact of this missense change (SIFT: "Deleterious"; PolyPhen-2: "Benign"; Align-GVGD: "Class C45"). This variant has not been reported in the literature in individuals affected with MYH11-related conditions. This variant is not present in population databases (gnomAD no frequency). This sequence change replaces arginine, which is basic and polar, with glycine, which is neutral and non-polar, at codon 1403 of the MYH11 protein (p.Arg1403Gly).

NM_002474.3(MYH11):c.4186A>G (p.Arg1396Gly)

Genes: MYH11 (myosin heavy chain 11; minus strand), NDE1 (nudE neurodevelopment protein 1; plus strand). Cytogenetic location: 16p13.11.
Variant type: single nucleotide variant.
Coding change: c.4186A>G on transcript NM_002474.3 (MANE Select); coding-DNA position 4186, A replaced by G.
Protein change: p.Arg1396Gly; replaces arginine 1396 with glycine.
Molecular consequence: missense variant. On other transcripts: 3 prime UTR variant (2).
Genome position (GRCh38, 1-based): chr16:15,724,340, T>C on the plus strand (A>G on the coding strand, the complement: MYH11 is on the minus strand). VCF-style: chr16-15724340-T-C. GRCh37 (hg19) VCF-style: chr16-15818197-T-C.
Other names: c.4207A>G, p.Arg1403Gly (NM_001040113.2, NM_001040114.2); c.4186A>G, p.Arg1396Gly (NM_022844.3); c.*89T>C (NM_001143979.2, NM_017668.3); short protein forms R1396G, R1403G.
Identifiers: ClinVar variation 1960354 (VCV001960354.5), dbSNP rs2506141416, ClinGen allele CA394857404.